The following is an entry in ClinVar:

ClinVar aggregate classification (germline): Uncertain significance. Review status: criteria provided, multiple submitters, no conflicts (2 of 4 stars). 2 submissions from 2 submitters: Uncertain significance (2). Last evaluated 2021-08-30.

Allele frequency attached by ClinVar (database versions not stated): gnomAD 0.00001.
gnomAD v4.1: 2 of 1,607,812 alleles (0.00012%); highest among the groups gnomAD compares: East Asian, 0.0022%; no homozygotes.

Submissions (2):

Labcorp Genetics (formerly Invitae), Labcorp
Classification: Uncertain significance. Last evaluated: 2021-08-30. Review status: criteria provided, single submitter. Criteria: Invitae Variant Classification Sherloc (09022015). Collection method: clinical testing. Allele origin: germline.
Comment: This sequence change replaces arginine with leucine at codon 2097 of the ADGRV1 protein (p.Arg2097Leu). The arginine residue is highly conserved and there is a moderate physicochemical difference between arginine and leucine. This variant is not present in population databases (ExAC no frequency). This variant has not been reported in the literature in individuals affected with ADGRV1-related conditions. ClinVar contains an entry for this variant (Variation ID: 505908). Algorithms developed to predict the effect of missense changes on protein structure and function are either unavailable or do not agree on the potential impact of this missense change (SIFT: "Deleterious"; PolyPhen-2: "Probably Damaging"; Align-GVGD: "Class C0"). In summary, the available evidence is currently insufficient to determine the role of this variant in disease. Therefore, it has been classified as a Variant of Uncertain Significance.

Laboratory for Molecular Medicine, Mass General Brigham Personalized Medicine
Classification: Uncertain significance. Last evaluated: 2017-07-11. Review status: criteria provided, single submitter. Criteria: LMM Criteria. Collection method: clinical testing. Allele origin: germline. Observed: 1 variant allele.
Comment: The p.Arg2097Leu variant in GPR98 has not been previously reported in individual s with hearing loss or Usher syndrome. This variant has been identified in 1/242 482 chromosomes by the Genome Aggregation Database (gnomAD; dbSNP rs572910896). Although this variant has been seen in the gen eral population, its frequency is not high enough to rule out a pathogenic role. Computational prediction tools and conservation analysis suggest that the p.Arg 2097Leu variant may impact the protein, though this information is not predictiv e enough to determine pathogenicity. In summary, the clinical significance of th e p.Arg2097Leu variant is uncertain.

NM_032119.4(ADGRV1):c.6290G>T (p.Arg2097Leu)

Gene: ADGRV1 (adhesion G protein-coupled receptor V1; plus strand). Cytogenetic location: 5q14.3.
Variant type: single nucleotide variant.
Coding change: c.6290G>T on transcript NM_032119.4 (MANE Select); coding-DNA position 6290, G replaced by T.
Protein change: p.Arg2097Leu; replaces arginine 2097 with leucine.
Molecular consequence: missense variant. On other transcripts: non-coding transcript variant (1).
Genome position (GRCh38, 1-based): chr5:90,685,795, G>T. VCF-style: chr5-90685795-G-T. GRCh37 (hg19) VCF-style: chr5-89981612-G-T.
Other names: short protein forms R2097L.
Identifiers: ClinVar variation 505908 (VCV000505908.7), dbSNP rs572910896, ClinGen allele CA122796474.